The following is an entry in ClinVar:

ClinVar aggregate classification (germline): Uncertain significance (1 of 4 stars; one submission).

Submission:

CeGaT Center for Human Genetics Tuebingen
Classification: Uncertain significance. Last evaluated: 2026-09-01. Review status: criteria provided, single submitter. Criteria: CeGaT Center For Human Genetics Tuebingen Variant Classification Criteria Version 2. Collection method: clinical testing. Allele origin: germline. Affected: yes. Observed: 1 variant allele.
Comment: FBXO28: PM2, PP2

NM_015176.4(FBXO28):c.181A>C (p.Asn61His)

Gene: FBXO28 (F-box protein 28; plus strand). Cytogenetic location: 1q42.11.
Variant type: single nucleotide variant.
Coding change: c.181A>C on transcript NM_015176.4 (MANE Select); coding-DNA position 181, A replaced by C.
Protein change: p.Asn61His; replaces asparagine 61 with histidine.
Molecular consequence: missense variant. On other transcripts: non-coding transcript variant (1).
Genome position (GRCh38, 1-based): chr1:224,114,310, A>C. VCF-style: chr1-224114310-A-C. GRCh37 (hg19) VCF-style: chr1-224302012-A-C.
Other names: c.181A>C, p.Asn61His (NM_001136115.3); short protein forms N61H.
Identifiers: ClinVar variation 5040699 (VCV005040699.1).